The following is an entry in ClinVar:

NM_001009944.3(PKD1):c.3636C>T (p.Leu1212=)

Gene: PKD1 (polycystin 1, transient receptor potential channel interacting; minus strand). Cytogenetic location: 16p13.3.
Variant type: single nucleotide variant.
Coding change: c.3636C>T on transcript NM_001009944.3 (MANE Select); coding-DNA position 3636, C replaced by T.
Protein change: p.Leu1212=; no amino-acid change (leucine 1212 retained).
Molecular consequence: synonymous variant.
Genome position (GRCh38, 1-based): chr16:2,111,531, G>A on the plus strand (C>T on the coding strand, the complement: PKD1 is on the minus strand). VCF-style: chr16-2111531-G-A. GRCh37 (hg19) VCF-style: chr16-2161532-G-A.
Other names: c.3636C>T, p.Leu1212= (NM_000296.4).
Identifiers: ClinVar variation 997254 (VCV000997254.1), dbSNP rs753613908, ClinGen allele CA7832695.

ClinVar aggregate classification (germline): Likely benign (0 of 4 stars; one submission).

Conditions:
Polycystic kidney disease. Also called: Polycystic kidney dysplasia; Kidney, Polycystic. Identifiers: MedGen C0022680, MeSH D007690, MONDO:0020642, HP:0000113.

Submission:

Department of Pathology and Laboratory Medicine, Sinai Health System
Classification: Likely benign for Polycystic Kidney disease. Review status: no assertion criteria provided. Collection method: clinical testing. Allele origin: unknown. Affected: yes. Observed: 1 variant allele. Study: The Canadian Open Genetics Repository (COGR).
Comment: The PKD1 p.Leu1212= variant was not identified in the literature nor was it identified in the following databases: ClinVar, LOVD 3.0, ADPKD Mutation Database, or PKD1-LOVD. The variant was identified in the dbSNP database (ID: rs753613908) and in control databases in 1 of 222506 chromosomes at a frequency of 0.000004 (Genome Aggregation Database Feb 27, 2017). Breakdown of the observations by population include European in 1 of 98578 chromosomes (freq: 0.00001). The variant was not observed in the African, Other, Latino, Ashkenazi Jewish, East Asian, Finnish, and South Asian populations. In addition we cannot be certain that data from control databases is specific to PKD1 and not from one of the six PKD1 pseudogenes. The p.Leu1212= variant is not expected to have clinical significance because it does not result in a change of amino acid and is not located in a known consensus splice site. In addition, in silico or computational prediction software programs (SpliceSiteFinder, MaxEntScan, NNSPLICE, GeneSplicer, HumanSpliceFinder) do not predict a difference in splicing. In summary, based on the above information the clinical significance of this variant cannot be determined with certainty at this time although we would lean towards a more benign role for this variant. This variant is classified as likely benign.